The following is an entry in ClinVar:

ClinVar aggregate classification (germline): Pathogenic/Likely pathogenic. Review status: criteria provided, multiple submitters, no conflicts (2 of 4 stars). 2 submissions from 2 submitters: Pathogenic (1); Likely pathogenic (1). Last evaluated 2025-03-26.

Conditions:
Primary ciliary dyskinesia. Also called: Ciliary dyskinesia. Identifiers: Orphanet 244, MedGen C0008780, MONDO:0016575, HP:0012265.
Retinitis pigmentosa 3. Also called: CHOROIDORETINAL DEGENERATION WITH RETINAL REFLEX IN HETEROZYGOUS WOMEN. Identifiers: Orphanet 791, MedGen C1845667, MONDO:0010227, OMIM 300029.

Submissions (2):

Institute of Medical Genetics and Applied Genomics, University Hospital Tübingen
Classification: Likely pathogenic for Retinitis pigmentosa 3. Last evaluated: 2025-03-26. Review status: criteria provided, single submitter. Criteria: ACMG Guidelines, 2015. Collection method: clinical testing. Allele origin: germline. Inheritance: X-linked recessive inheritance. Affected: yes.

Labcorp Genetics (formerly Invitae), Labcorp
Classification: Pathogenic for Primary ciliary dyskinesia. Last evaluated: 2024-08-13. Review status: criteria provided, single submitter. Criteria: Invitae Variant Classification Sherloc (09022015). Collection method: clinical testing. Allele origin: germline.
Comment: This sequence change affects a donor splice site in intron 7 of the RPGR gene. It is expected to disrupt RNA splicing. Variants that disrupt the donor or acceptor splice site typically lead to a loss of protein function (PMID: 16199547), and loss-of-function variants in RPGR are known to be pathogenic (PMID: 16055928, 16969763). This variant is not present in population databases (gnomAD no frequency). Disruption of this splice site has been observed in individuals with retinitis pigmentosa (PMID: 17195164; Invitae). ClinVar contains an entry for this variant (Variation ID: 2129768). Algorithms developed to predict the effect of sequence changes on RNA splicing suggest that this variant may disrupt the consensus splice site. For these reasons, this variant has been classified as Pathogenic.

Literature cited by the submitters: PubMed 16199547 (cited by Labcorp Genetics (formerly Invitae), Labcorp); PubMed 16055928 (cited by Labcorp Genetics (formerly Invitae), Labcorp); PubMed 16969763 (cited by Labcorp Genetics (formerly Invitae), Labcorp); PubMed 17195164 (cited by Labcorp Genetics (formerly Invitae), Labcorp).

NM_001034853.2(RPGR):c.778+1G>A

Gene: RPGR (retinitis pigmentosa GTPase regulator; minus strand). Cytogenetic location: Xp11.4.
Variant type: single nucleotide variant.
Coding change: c.778+1G>A on transcript NM_001034853.2 (MANE Select); the canonical splice donor site of the intron after coding-DNA position 778, G replaced by A.
Molecular consequence: splice donor variant.
Genome position (GRCh38, 1-based): chrX:38,310,614, C>T on the plus strand (G>A on the coding strand, the complement: RPGR is on the minus strand). VCF-style: chrX-38310614-C-T. GRCh37 (hg19) VCF-style: chrX-38169867-C-T.
Other names: c.775+1G>A (NM_001367249.1, NM_001367250.1, NM_001367245.1); c.778+1G>A (NM_001367251.1, NM_001367246.1, NM_001367247.1 and 1 more transcripts); c.808+1G>A (NM_001367248.1).
Identifiers: ClinVar variation 2129768 (VCV002129768.5), dbSNP rs2519865384, ClinGen allele CA412742451.